The following is an entry in ClinVar:

NM_000289.6(PFKM):c.1159del (p.Leu387fs)

Gene: PFKM (phosphofructokinase, muscle; plus strand). Cytogenetic location: 12q13.11.
Variant type: Deletion.
Coding change: c.1159del on transcript NM_000289.6 (MANE Select); coding-DNA position 1159, one base deleted (C; older notation c.1159delC).
Protein change: p.Leu387fs; shifts the reading frame from leucine 387.
Molecular consequence: frameshift variant. On other transcripts: non-coding transcript variant (6).
Genome position (GRCh38, 1-based): chr12:48,139,880, C deleted. VCF-style (leftmost placement, unchanged base first): chr12-48139879-GC-G. GRCh37 (hg19) VCF-style: chr12-48533662-GC-G.
Other names: c.1372del, p.Leu458fs (NM_001166686.2, NM_001354737.1, NM_001354738.1 and 1 more transcripts); c.1159del, p.Leu387fs (NM_001166687.2, NM_001166688.2, NM_001354742.2 and 2 more transcripts); c.1468del, p.Leu490fs (NM_001354735.1, NM_001354736.1); c.1303del, p.Leu435fs (NM_001354740.1); c.1183del, p.Leu395fs (NM_001354741.2); c.1072del, p.Leu358fs (NM_001354745.2); c.1033del, p.Leu345fs (NM_001354746.2); c.1009del, p.Leu337fs (NM_001354747.2, NM_001354748.2); and 1 more; short protein forms L337fs, L387fs, L458fs, L395fs, L345fs, L358fs, L435fs, L356fs.
Identifiers: ClinVar variation 2813983 (VCV002813983.3), dbSNP rs2498510980, ClinGen allele CA2739272002.

ClinVar aggregate classification (germline): Pathogenic (1 of 4 stars; one submission).

Conditions:
Glycogen storage disease, type VII (GSD7). Also called: GSD VII; MUSCLE PHOSPHOFRUCTOKINASE DEFICIENCY; PFKM DEFICIENCY; TARUI DISEASE. Identifiers: Orphanet 371, MedGen C0017926, MONDO:0009295, OMIM 232800.

Submission:

Labcorp Genetics (formerly Invitae), Labcorp
Classification: Pathogenic for Glycogen storage disease, type VII. Last evaluated: 2022-11-14. Review status: criteria provided, single submitter. Criteria: Invitae Variant Classification Sherloc (09022015). Collection method: clinical testing. Allele origin: germline.
Comment: This sequence change creates a premature translational stop signal (p.Leu387Phefs*2) in the PFKM gene. It is expected to result in an absent or disrupted protein product. Loss-of-function variants in PFKM are known to be pathogenic (PMID: 7825568, 8037209). For these reasons, this variant has been classified as Pathogenic. This variant has not been reported in the literature in individuals affected with PFKM-related conditions. This variant is not present in population databases (gnomAD no frequency).

Literature cited by the submitters: PubMed 7825568; PubMed 8037209.